The following is an entry in ClinVar:

NM_000211.5(ITGB2):c.1798G>A (p.Val600Ile)

Gene: ITGB2 (integrin subunit beta 2; minus strand). Cytogenetic location: 21q22.3.
Variant type: single nucleotide variant.
Coding change: c.1798G>A on transcript NM_000211.5 (MANE Select); coding-DNA position 1798, G replaced by A.
Protein change: p.Val600Ile; replaces valine 600 with isoleucine.
Molecular consequence: missense variant.
Genome position (GRCh38, 1-based): chr21:44,889,355, C>T on the plus strand (G>A on the coding strand, the complement: ITGB2 is on the minus strand). VCF-style: chr21-44889355-C-T. GRCh37 (hg19) VCF-style: chr21-46309270-C-T.
Other names: c.1798G>A, p.Val600Ile (NM_001127491.3); c.1591G>A, p.Val531Ile (NM_001303238.2); short protein forms V531I, V600I.
Identifiers: ClinVar variation 2156726 (VCV002156726.4), dbSNP rs759846070, ClinGen allele CA10062702.

ClinVar aggregate classification (germline): Uncertain significance. Review status: criteria provided, multiple submitters, no conflicts (2 of 4 stars). 2 submissions from 2 submitters: Uncertain significance (2). Last evaluated 2025-08-23.

Conditions:
Inborn genetic diseases. Identifiers: MedGen C0950123, MeSH D030342.
Leukocyte adhesion deficiency 1 (LAD1). Also called: LEUKOCYTE ADHESION DEFICIENCY, TYPE I; LAD 1; Lymphocyte function-associated antigen 1 immunodeficiency; LFA 1 immunodeficiency. Identifiers: Orphanet 2968, Orphanet 99842, MedGen C0398738, MONDO:0007293, OMIM 116920.

Allele frequency attached by ClinVar (database versions not stated): gnomAD exomes 0.00001; ExAC 0.00003; gnomAD 0.00003; TOPMed 0.00004.
gnomAD v4.1: 19 of 1,612,808 alleles (0.0012%); highest among the groups gnomAD compares: African/African-American, 0.008%; no homozygotes.

Submissions (2):

Ambry Genetics
Classification: Uncertain significance for Inborn genetic diseases. Last evaluated: 2025-08-23. Review status: criteria provided, single submitter. Criteria: Ambry Variant Classification Scheme 2023. Collection method: clinical testing. Allele origin: germline.

Labcorp Genetics (formerly Invitae), Labcorp
Classification: Uncertain significance for Leukocyte adhesion deficiency 1. Last evaluated: 2023-05-20. Review status: criteria provided, single submitter. Criteria: Invitae Variant Classification Sherloc (09022015). Collection method: clinical testing. Allele origin: germline.
Comment: This sequence change replaces valine, which is neutral and non-polar, with isoleucine, which is neutral and non-polar, at codon 600 of the ITGB2 protein (p.Val600Ile). This variant is present in population databases (rs759846070, gnomAD 0.01%). This variant has not been reported in the literature in individuals affected with ITGB2-related conditions. ClinVar contains an entry for this variant (Variation ID: 2156726). Advanced modeling of protein sequence and biophysical properties (such as structural, functional, and spatial information, amino acid conservation, physicochemical variation, residue mobility, and thermodynamic stability) has been performed at Invitae for this missense variant, however the output from this modeling did not meet the statistical confidence thresholds required to predict the impact of this variant on ITGB2 protein function. In summary, the available evidence is currently insufficient to determine the role of this variant in disease. Therefore, it has been classified as a Variant of Uncertain Significance.